The following is an entry in ClinVar:

ClinVar aggregate classification (germline): Uncertain significance (1 of 4 stars; one submission).

Submission:

Labcorp Genetics (formerly Invitae), Labcorp
Classification: Uncertain significance. Last evaluated: 2025-10-24. Review status: criteria provided, single submitter. Criteria: Invitae Variant Classification Sherloc (09022015). Collection method: clinical testing. Allele origin: germline.
Comment: This sequence change replaces leucine, which is neutral and non-polar, with methionine, which is neutral and non-polar, at codon 19 of the CD46 protein (p.Leu19Met). This variant is not present in population databases (gnomAD no frequency). This variant has not been reported in the literature in individuals affected with CD46-related conditions. An algorithm developed to predict the effect of missense changes on protein structure and function (PolyPhen-2) suggests that this variant is likely to be disruptive. In summary, the available evidence is currently insufficient to determine the role of this variant in disease. Therefore, it has been classified as a Variant of Uncertain Significance.

NM_172351.3(CD46):c.55T>A (p.Leu19Met)

Genes: CD46 (CD46 molecule; plus strand), LOC129932405 (ATAC-STARR-seq lymphoblastoid active region 2449; plus strand). Cytogenetic location: 1q32.2.
Variant type: single nucleotide variant.
Coding change: c.55T>A on transcript NM_172351.3 (MANE Select); coding-DNA position 55, T replaced by A.
Protein change: p.Leu19Met; replaces leucine 19 with methionine.
Molecular consequence: missense variant.
Genome position (GRCh38, 1-based): chr1:207,752,267, T>A. VCF-style: chr1-207752267-T-A. GRCh37 (hg19) VCF-style: chr1-207925612-T-A.
Other names: c.55T>A, p.Leu19Met (NM_002389.4, NM_153826.4, NM_172350.3 and 8 more transcripts); short protein forms L19M.
Identifiers: ClinVar variation 4693120 (VCV004693120.1).
Genomic context (GRCh38, chr1:207,752,267, plus strand): 5'-CCGCGCATGGAGCCTCCCGGCCGCCGCGAGTGTCCCTTTCCTTCCTGGCGCTTTCCTGGG[T>A]TGCTTCTGGCGGCCATGGTGTTGCTGCTGTACTCCTTCTCCGGTAGGACCCCGGGGCGGG-3'
Protein context (NP_758861.1, residues 9-29): CPFPSWRFPG[Leu19Met]LLAAMVLLLY